The following is an entry in ClinVar:

NM_018979.4(WNK1):c.5786C>T (p.Thr1929Ile)

Gene: WNK1 (WNK lysine deficient protein kinase 1; plus strand). Cytogenetic location: 12p13.33.
Variant type: single nucleotide variant.
Coding change: c.5786C>T on transcript NM_018979.4 (MANE Select); coding-DNA position 5786, C replaced by T.
Protein change: p.Thr1929Ile; replaces threonine 1929 with isoleucine.
Molecular consequence: missense variant.
Genome position (GRCh38, 1-based): chr12:896,273, C>T. VCF-style: chr12-896273-C-T. GRCh37 (hg19) VCF-style: chr12-1005439-C-T.
Other names: c.6566C>T, p.Thr2189Ile (NM_001184985.2); c.5042C>T, p.Thr1681Ile (NM_014823.3); c.6542C>T, p.Thr2181Ile (NM_213655.5); short protein forms T1929I, T1681I, T2189I, T2181I.
Identifiers: ClinVar variation 1954121 (VCV001954121.5), dbSNP rs1954726574, ClinGen allele CA383335205.

ClinVar aggregate classification (germline): Uncertain significance (1 of 4 stars; one submission).

Conditions:
Neuropathy, hereditary sensory and autonomic, type 2A (HSAN2A). Also called: HSAN IIA; WNK1-Related HSAN2 (HSAN2A); ACROOSTEOLYSIS, GIACCAI TYPE; ACROOSTEOLYSIS, NEUROGENIC; MORVAN DISEASE; NEUROPATHY, CONGENITAL SENSORY. Identifiers: Orphanet 970, MedGen C2752089, MONDO:0024309, OMIM 201300.
Pseudohypoaldosteronism type 2C (PHA2C). Also called: Pseudohypoaldosteronism Type IIC. Identifiers: Orphanet 757, Orphanet 88940, MedGen C1840391, MONDO:0013778, OMIM 614492.

Allele frequency attached by ClinVar (database versions not stated): TOPMed below 0.00001; gnomAD 0.00001.
gnomAD v4.1: 2 of 1,614,096 alleles (0.00012%); highest among the groups gnomAD compares: African/African-American, 0.0013%; no homozygotes.

Submission:

Labcorp Genetics (formerly Invitae), Labcorp
Classification: Uncertain significance for Neuropathy, hereditary sensory and autonomic, type 2A; Pseudohypoaldosteronism type 2C. Last evaluated: 2022-04-18. Review status: criteria provided, single submitter. Criteria: Invitae Variant Classification Sherloc (09022015). Collection method: clinical testing. Allele origin: germline.
Comment: In summary, the available evidence is currently insufficient to determine the role of this variant in disease. Therefore, it has been classified as a Variant of Uncertain Significance. Advanced modeling of protein sequence and biophysical properties (such as structural, functional, and spatial information, amino acid conservation, physicochemical variation, residue mobility, and thermodynamic stability) performed at Invitae indicates that this missense variant is not expected to disrupt WNK1 protein function. This variant has not been reported in the literature in individuals affected with WNK1-related conditions. This variant is not present in population databases (gnomAD no frequency). This sequence change replaces threonine, which is neutral and polar, with isoleucine, which is neutral and non-polar, at codon 2181 of the WNK1 protein (p.Thr2181Ile).